The following is an entry in ClinVar:

NM_001378609.3(OTOGL):c.3962G>A (p.Ser1321Asn)

Gene: OTOGL (otogelin like; plus strand). Cytogenetic location: 12q21.31.
Variant type: single nucleotide variant.
Coding change: c.3962G>A on transcript NM_001378609.3 (MANE Select); coding-DNA position 3962, G replaced by A.
Protein change: p.Ser1321Asn; replaces serine 1321 with asparagine.
Molecular consequence: missense variant.
Genome position (GRCh38, 1-based): chr12:80,320,581, G>A. VCF-style: chr12-80320581-G-A. GRCh37 (hg19) VCF-style: chr12-80714361-G-A.
Other names: c.3935G>A (NM_173591.3); c.3962G>A, p.Ser1321Asn (NM_001378610.3, NM_173591.7); c.3827G>A, p.Ser1276Asn (NM_001368062.3); short protein forms S1321N, S1276N.
Identifiers: ClinVar variation 2080194 (VCV002080194.4), dbSNP rs377283479, ClinGen allele CA6701219.

ClinVar aggregate classification (germline): Uncertain significance. Review status: criteria provided, multiple submitters, no conflicts (2 of 4 stars). 3 submissions from 3 submitters: Uncertain significance (3). Last evaluated 2026-04-30.

Conditions:
Inborn genetic diseases. Identifiers: MedGen C0950123, MeSH D030342.

Allele frequency attached by ClinVar (database versions not stated): gnomAD 0.00009; gnomAD exomes 0.00010; ExAC 0.00006; ESP Exome Variant Server 0.00017.
gnomAD v4.1: 158 of 1,613,166 alleles (0.0098%); highest among the groups gnomAD compares: Non-Finnish European, 0.012%; no homozygotes.

Submissions (3):

GeneDx
Classification: Uncertain significance. Last evaluated: 2026-04-30. Review status: criteria provided, single submitter. Criteria: GeneDx Variant Classification Process June 2021. Collection method: clinical testing. Allele origin: germline.
Comment: In silico analysis suggests that this missense variant does not alter protein structure/function; Has not been previously published as pathogenic or benign to our knowledge

Ambry Genetics
Classification: Uncertain significance for Inborn genetic diseases. Last evaluated: 2024-06-16. Review status: criteria provided, single submitter. Criteria: Ambry Variant Classification Scheme 2023. Collection method: clinical testing. Allele origin: germline.

Labcorp Genetics (formerly Invitae), Labcorp
Classification: Uncertain significance. Last evaluated: 2022-06-08. Review status: criteria provided, single submitter. Criteria: Invitae Variant Classification Sherloc (09022015). Collection method: clinical testing. Allele origin: germline.
Comment: This sequence change replaces serine, which is neutral and polar, with asparagine, which is neutral and polar, at codon 1312 of the OTOGL protein (p.Ser1312Asn). This variant is present in population databases (rs377283479, gnomAD 0.01%). This variant has not been reported in the literature in individuals affected with OTOGL-related conditions. Algorithms developed to predict the effect of missense changes on protein structure and function are either unavailable or do not agree on the potential impact of this missense change (SIFT: "Deleterious"; PolyPhen-2: "Benign"; Align-GVGD: "Class C0"). In summary, the available evidence is currently insufficient to determine the role of this variant in disease. Therefore, it has been classified as a Variant of Uncertain Significance.